The following is an entry in ClinVar:

NM_020975.6(RET):c.2843G>C (p.Gly948Ala)

Gene: RET (ret proto-oncogene; plus strand). Cytogenetic location: 10q11.21.
Variant type: single nucleotide variant.
Coding change: c.2843G>C on transcript NM_020975.6 (MANE Select); coding-DNA position 2843, G replaced by C.
Protein change: p.Gly948Ala; replaces glycine 948 with alanine.
Molecular consequence: missense variant.
Genome position (GRCh38, 1-based): chr10:43,123,712, G>C. VCF-style: chr10-43123712-G-C. GRCh37 (hg19) VCF-style: chr10-43619160-G-C.
Other names: c.2843G>C, p.Gly948Ala (NM_000323.2, NM_001406743.1, NM_001406744.1 and 4 more transcripts); c.2081G>C, p.Gly694Ala (NM_001355216.2); c.2714G>C, p.Gly905Ala (NM_001406761.1, NM_001406762.1, NM_001406764.1); c.2708G>C, p.Gly903Ala (NM_001406763.1, NM_001406765.1); c.2555G>C, p.Gly852Ala (NM_001406766.1, NM_001406767.1, NM_001406770.1); c.2579G>C, p.Gly860Ala (NM_001406768.1); c.2447G>C, p.Gly816Ala (NM_001406769.1, NM_001406772.1); c.2405G>C, p.Gly802Ala (NM_001406771.1, NM_001406773.1); and 10 more; short protein forms G465A, G513A, G618A, G706A, G773A, G816A, G948A, G604A.
Identifiers: ClinVar variation 2085879 (VCV002085879.5), dbSNP rs2538615105, ClinGen allele CA376557799.
Genomic context (GRCh38, chr10:43,123,712, plus strand): 5'-GTCCTTTCACTCTCTGCAGATGGTCTTTTGGTGTCCTGCTGTGGGAGATCGTGACCCTAG[G>C]GGGAAACCCCTATCCTGGGATTCCTCCTGAGCGGCTCTTCAACCTTCTGAAGACCGGCCA-3'
Protein context (NP_066124.1, residues 938-958): GVLLWEIVTL[Gly948Ala]GNPYPGIPPE

ClinVar aggregate classification (germline): Uncertain significance. Review status: criteria provided, multiple submitters, no conflicts (2 of 4 stars). 2 submissions from 2 submitters: Uncertain significance (2). Last evaluated 2024-03-27.

Conditions:
Hereditary cancer-predisposing syndrome. Also called: Tumor predisposition; Neoplastic Syndromes, Hereditary; Hereditary Cancer Syndrome; Hereditary neoplastic syndrome. Identifiers: Orphanet 140162, MedGen C0027672, MeSH D009386, MONDO:0015356.
Multiple endocrine neoplasia, type 2 (MEN2). Identifiers: Orphanet 653, MedGen C4048306, MONDO:0019003. Disease mechanism: gain of function.

Submissions (2):

Ambry Genetics
Classification: Uncertain significance for Hereditary cancer-predisposing syndrome. Last evaluated: 2024-03-27. Review status: criteria provided, single submitter. Criteria: Ambry Variant Classification Scheme 2023. Collection method: clinical testing. Allele origin: germline.
Comment: The p.G948A variant (also known as c.2843G>C), located in coding exon 17 of the RET gene, results from a G to C substitution at nucleotide position 2843. The glycine at codon 948 is replaced by alanine, an amino acid with similar properties. This amino acid position is conserved. In addition, the in silico prediction for this alteration is inconclusive. Based on the available evidence, the clinical significance of this alteration remains unclear.

Labcorp Genetics (formerly Invitae), Labcorp
Classification: Uncertain significance for Multiple endocrine neoplasia, type 2. Last evaluated: 2022-06-15. Review status: criteria provided, single submitter. Criteria: Invitae Variant Classification Sherloc (09022015). Collection method: clinical testing. Allele origin: germline.
Comment: In summary, the available evidence is currently insufficient to determine the role of this variant in disease. Therefore, it has been classified as a Variant of Uncertain Significance. Algorithms developed to predict the effect of missense changes on protein structure and function (SIFT, PolyPhen-2, Align-GVGD) all suggest that this variant is likely to be disruptive. This variant has not been reported in the literature in individuals affected with RET-related conditions. This variant is not present in population databases (gnomAD no frequency). This sequence change replaces glycine, which is neutral and non-polar, with alanine, which is neutral and non-polar, at codon 948 of the RET protein (p.Gly948Ala).